The following is an entry in ClinVar:

NM_024649.5(BBS1):c.607del (p.Thr202_Met203insTer)

Gene: BBS1 (Bardet-Biedl syndrome 1; plus strand). Cytogenetic location: 11q13.2.
Variant type: Deletion.
Coding change: c.607del on transcript NM_024649.5 (MANE Select); coding-DNA position 607, one base deleted (A; older notation c.607delA).
Protein change: p.Thr202_Met203insTer.
Molecular consequence: nonsense.
Genome position (GRCh38, 1-based): chr11:66,519,632, A deleted. VCF-style (leftmost placement, unchanged base first): chr11-66519631-CA-C. GRCh37 (hg19) VCF-style: chr11-66287102-CA-C.
Identifiers: ClinVar variation 1459324 (VCV001459324.7), dbSNP rs2134780429, ClinGen allele CA2573147565.
Genomic context (GRCh38, chr11:66,519,631, plus strand): 5'-GTGGTGTGTGGAGGTTCCCTGGGTGACCCCTGGAGTCCTTCTGTAGACAGTCATCACCAC[CA>C]TGACCACCTTGAAGAAGAACCTGGCTGACGAGGATGCTGTGTCTTGCCTGGTGCTGGGCA-3'

ClinVar aggregate classification (germline): Pathogenic. Review status: criteria provided, multiple submitters, no conflicts (2 of 4 stars). 2 submissions from 2 submitters: Pathogenic (2). Last evaluated 2023-08-24.

Conditions:
Bardet-Biedl syndrome (BBS). Identifiers: Orphanet 110, MedGen C0752166, MONDO:0015229.
Bardet-Biedl syndrome 1 (BBS1). Identifiers: MedGen C2936862, MONDO:0008854, OMIM 209900. Disease mechanism: loss of function.

Allele frequency attached by ClinVar (database versions not stated): gnomAD exomes below 0.00001.

Submissions (2):

Baylor Genetics
Classification: Pathogenic for Bardet-Biedl syndrome 1. Last evaluated: 2023-08-24. Review status: criteria provided, single submitter. Criteria: ACMG Guidelines, 2015. Collection method: clinical testing. Allele origin: unknown.

Labcorp Genetics (formerly Invitae), Labcorp
Classification: Pathogenic for Bardet-Biedl syndrome. Last evaluated: 2022-07-17. Review status: criteria provided, single submitter. Criteria: Invitae Variant Classification Sherloc (09022015). Collection method: clinical testing. Allele origin: germline.
Comment: This sequence change creates a premature translational stop signal (p.Met203*) in the BBS1 gene. It is expected to result in an absent or disrupted protein product. Loss-of-function variants in BBS1 are known to be pathogenic (PMID: 12118255, 21520335, 27032803). This variant is not present in population databases (gnomAD no frequency). This premature translational stop signal has been observed in individual(s) with Bardet-Biedl syndrome (PMID: 25170860). ClinVar contains an entry for this variant (Variation ID: 1459324). For these reasons, this variant has been classified as Pathogenic.

Literature cited by the submitters: PubMed 12118255 (cited by Labcorp Genetics (formerly Invitae), Labcorp); PubMed 21520335 (cited by Labcorp Genetics (formerly Invitae), Labcorp); PubMed 27032803 (cited by Labcorp Genetics (formerly Invitae), Labcorp); PubMed 25170860 (cited by Labcorp Genetics (formerly Invitae), Labcorp).